The following is an entry in ClinVar:

NM_004006.3(DMD):c.6423del (p.Lys2140_Tyr2141insTer)

Gene: DMD (dystrophin; minus strand). Cytogenetic location: Xp21.1.
Variant type: Deletion.
Coding change: c.6423del on transcript NM_004006.3 (MANE Select); coding-DNA position 6423, one base deleted (C; older notation c.6423delC).
Protein change: p.Lys2140_Tyr2141insTer.
Molecular consequence: nonsense.
Genome position (GRCh38, 1-based): chrX:32,216,931, G deleted on the plus strand (C on the coding strand, the reverse complement: DMD is on the minus strand). VCF-style (leftmost placement, unchanged base first): chrX-32216930-TG-T. GRCh37 (hg19) VCF-style: chrX-32235047-TG-T.
Other names: c.6399del, p.Lys2132_Tyr2133insTer (NM_000109.4); c.6411del, p.Lys2136_Tyr2137insTer (NM_004009.3); c.6054del, p.Lys2017_Tyr2018insTer (NM_004010.3); c.2400del, p.Lys799_Tyr800insTer (NM_004011.4); c.2391del, p.Lys796_Tyr797insTer (NM_004012.4).
Identifiers: ClinVar variation 498586 (VCV000498586.8), dbSNP rs1557218093, ClinGen allele CA658799664.
Genomic context (GRCh38, chrX:32,216,930, plus strand): 5'-GTGCTGAAGATAAATACAATTTCGAAAAAACAAATCAAAGACTTACCTTAAGATACCATT[TG>T]TATTTAGCATGTTCCCAATTCTCAGGAATTTGTGTCTTTCTGAGAAACTGTTCAGCTTCT-3'

ClinVar aggregate classification (germline): Pathogenic. Review status: criteria provided, multiple submitters, no conflicts (2 of 4 stars). 2 submissions from 2 submitters: Pathogenic (2). Last evaluated 2023-06-05.

Conditions:
Duchenne muscular dystrophy (DMD). Also called: MUSCULAR DYSTROPHY, PSEUDOHYPERTROPHIC PROGRESSIVE, DUCHENNE TYPE; Duchenne Muscular Dystrophy (DMD). Identifiers: Orphanet 98896, MedGen C0013264, MONDO:0010679, OMIM 310200.

Submissions (2):

Labcorp Genetics (formerly Invitae), Labcorp
Classification: Pathogenic for Duchenne muscular dystrophy. Last evaluated: 2023-06-05. Review status: criteria provided, single submitter. Criteria: Invitae Variant Classification Sherloc (09022015). Collection method: clinical testing. Allele origin: germline.
Comment: For these reasons, this variant has been classified as Pathogenic. ClinVar contains an entry for this variant (Variation ID: 498586). This variant has not been reported in the literature in individuals affected with DMD-related conditions. This variant is not present in population databases (gnomAD no frequency). This sequence change creates a premature translational stop signal (p.Tyr2141*) in the DMD gene. It is expected to result in an absent or disrupted protein product. Loss-of-function variants in DMD are known to be pathogenic (PMID: 16770791, 25007885).

Eurofins Ntd Llc (ga)
Classification: Pathogenic. Last evaluated: 2016-11-21. Review status: criteria provided, single submitter. Criteria: EGL Classification Definitions 2015. Collection method: clinical testing. Allele origin: germline. Observed: 1 variant allele, 1 hemizygote.

Literature cited by the submitters: PubMed 16770791 (cited by Labcorp Genetics (formerly Invitae), Labcorp); PubMed 25007885 (cited by Labcorp Genetics (formerly Invitae), Labcorp).